The following is an entry in ClinVar:

NM_024675.4(PALB2):c.2834+7A>G

Gene: PALB2 (partner and localizer of BRCA2; minus strand). Cytogenetic location: 16p12.2.
Variant type: single nucleotide variant.
Coding change: c.2834+7A>G on transcript NM_024675.4 (MANE Select); 7 bases into the intron after coding-DNA position 2834, A replaced by G.
Molecular consequence: intron variant.
Genome position (GRCh38, 1-based): chr16:23,624,002, T>C on the plus strand (A>G on the coding strand, the complement: PALB2 is on the minus strand). VCF-style: chr16-23624002-T-C. GRCh37 (hg19) VCF-style: chr16-23635323-T-C.
Identifiers: ClinVar variation 1111312 (VCV001111312.11), dbSNP rs1468310581, ClinGen allele CA494181040.

ClinVar aggregate classification (germline): Likely benign. Review status: criteria provided, multiple submitters, no conflicts (2 of 4 stars). 2 submissions from 2 submitters: Likely benign (2). Last evaluated 2025-01-17.

Conditions:
Familial cancer of breast. Also called: BREAST CANCER, FAMILIAL; Hereditary breast cancer; hereditary breast carcinoma. Identifiers: Orphanet 227535, MedGen C0346153, MONDO:0016419, OMIM 114480. Disease mechanism: loss of function.

Allele frequency attached by ClinVar (database versions not stated): gnomAD exomes below 0.00001 and 0.00001; TOPMed below 0.00001.
gnomAD v4.1: 1 of 1,563,128 alleles (0.000064%); no homozygotes.

Submissions (2):

Myriad Genetics, Inc.
Classification: Likely benign for Familial cancer of breast. Last evaluated: 2025-01-17. Review status: criteria provided, single submitter. Criteria: Myriad Autosomal Dominant, Autosomal Recessive and X-Linked Classification Criteria (2023). Collection method: clinical testing. Allele origin: unknown.
Comment: This variant is considered likely benign. This variant is intronic and is not expected to impact mRNA splicing.

Labcorp Genetics (formerly Invitae), Labcorp
Classification: Likely benign for Familial cancer of breast. Last evaluated: 2024-09-29. Review status: criteria provided, single submitter. Criteria: Invitae Variant Classification Sherloc (09022015). Collection method: clinical testing. Allele origin: germline.